The following is an entry in ClinVar:

ClinVar aggregate classification (germline): Uncertain significance (1 of 4 stars; one submission).

Submission:

GeneDx
Classification: Uncertain significance. Last evaluated: 2020-01-15. Review status: criteria provided, single submitter. Criteria: GeneDx Variant Classification Process June 2021. Collection method: clinical testing. Allele origin: germline. Affected: yes.
Comment: Not observed in large population cohorts (Lek 2016); In silico analysis, which includes protein predictors and evolutionary conservation, supports a deleterious effect; Has not been previously published as pathogenic or benign to our knowledge

NM_007194.4(CHEK2):c.1235G>C (p.Ser412Thr)

Gene: CHEK2 (checkpoint kinase 2; minus strand). Cytogenetic location: 22q12.1.
Variant type: single nucleotide variant.
Coding change: c.1235G>C on transcript NM_007194.4 (MANE Select); coding-DNA position 1235, G replaced by C.
Protein change: p.Ser412Thr; replaces serine 412 with threonine.
Molecular consequence: missense variant.
Genome position (GRCh38, 1-based): chr22:28,695,734, C>G on the plus strand (G>C on the coding strand, the complement: CHEK2 is on the minus strand). VCF-style: chr22-28695734-C-G. GRCh37 (hg19) VCF-style: chr22-29091722-C-G.
Other names: c.1364G>C, p.Ser455Thr (NM_001005735.3); c.572G>C, p.Ser191Thr (NM_001257387.3); c.1034G>C, p.Ser345Thr (NM_001349956.3); c.1148G>C, p.Ser383Thr (NM_145862.3); short protein forms S191T, S345T, S383T, S412T, S455T.
Identifiers: ClinVar variation 1321089 (VCV001321089.2), dbSNP rs1555913662, ClinGen allele CA411096627.